The following is an entry in ClinVar:

ClinVar aggregate classification (germline): Uncertain significance (1 of 4 stars; one submission).

Conditions:
Congenital disorder of glycosylation, type Iaa. Also called: Congenital disorder of glycosylation, type 1aa. Identifiers: MedGen C4310727, MONDO:0014904, OMIM 617082.

Submission:

Labcorp Genetics (formerly Invitae), Labcorp
Classification: Uncertain significance for Congenital disorder of glycosylation, type Iaa. Last evaluated: 2024-03-24. Review status: criteria provided, single submitter. Criteria: Invitae Variant Classification Sherloc (09022015). Collection method: clinical testing. Allele origin: germline.
Comment: This sequence change replaces histidine, which is basic and polar, with leucine, which is neutral and non-polar, at codon 82 of the NUS1 protein (p.His82Leu). This variant is not present in population databases (gnomAD no frequency). This variant has not been reported in the literature in individuals affected with NUS1-related conditions. Algorithms developed to predict the effect of missense changes on protein structure and function output the following: SIFT: "Not Available"; PolyPhen-2: "Benign"; Align-GVGD: "Not Available". The leucine amino acid residue is found in multiple mammalian species, which suggests that this missense change does not adversely affect protein function. In summary, the available evidence is currently insufficient to determine the role of this variant in disease. Therefore, it has been classified as a Variant of Uncertain Significance.

NM_138459.5(NUS1):c.245A>T (p.His82Leu)

Gene: NUS1 (NUS1 dehydrodolichyl diphosphate synthase subunit; plus strand). Cytogenetic location: 6q22.1.
Variant type: single nucleotide variant.
Coding change: c.245A>T on transcript NM_138459.5 (MANE Select); coding-DNA position 245, A replaced by T.
Protein change: p.His82Leu; replaces histidine 82 with leucine.
Molecular consequence: missense variant.
Genome position (GRCh38, 1-based): chr6:117,675,915, A>T. VCF-style: chr6-117675915-A-T. GRCh37 (hg19) VCF-style: chr6-117997078-A-T.
Other names: short protein forms H82L.
Identifiers: ClinVar variation 3647424 (VCV003647424.2).